The following is an entry in ClinVar:

NM_001130823.3(DNMT1):c.1715T>G (p.Phe572Cys)

Gene: DNMT1 (DNA methyltransferase 1; minus strand). Cytogenetic location: 19p13.2.
Variant type: single nucleotide variant.
Coding change: c.1715T>G on transcript NM_001130823.3 (MANE Select); coding-DNA position 1715, T replaced by G.
Protein change: p.Phe572Cys; replaces phenylalanine 572 with cysteine.
Molecular consequence: missense variant.
Genome position (GRCh38, 1-based): chr19:10,154,703, A>C on the plus strand (T>G on the coding strand, the complement: DNMT1 is on the minus strand). VCF-style: chr19-10154703-A-C. GRCh37 (hg19) VCF-style: chr19-10265379-A-C.
Other names: c.1667T>G, p.Phe556Cys (NM_001318730.2, NM_001379.4); c.1352T>G, p.Phe451Cys (NM_001318731.2); short protein forms F451C, F572C, F556C.
Identifiers: ClinVar variation 3649695 (VCV003649695.2).

ClinVar aggregate classification (germline): Uncertain significance (1 of 4 stars; one submission).

Conditions:
Hereditary sensory neuropathy-deafness-dementia syndrome. Also called: Hereditary sensory neuropathy type IE; NEUROPATHY, HEREDITARY SENSORY, WITH HEARING LOSS AND DEMENTIA; Hereditary Sensory and Autonomic Neuropathy Type 1E (HSAN1E); HSN IE. Identifiers: Orphanet 456318, MedGen C3279885, MONDO:0013584, OMIM 614116.

Submission:

Labcorp Genetics (formerly Invitae), Labcorp
Classification: Uncertain significance for Hereditary sensory neuropathy-deafness-dementia syndrome. Last evaluated: 2024-04-12. Review status: criteria provided, single submitter. Criteria: Invitae Variant Classification Sherloc (09022015). Collection method: clinical testing. Allele origin: germline.
Comment: This sequence change replaces phenylalanine, which is neutral and non-polar, with cysteine, which is neutral and slightly polar, at codon 572 of the DNMT1 protein (p.Phe572Cys). This variant is not present in population databases (gnomAD no frequency). This variant has not been reported in the literature in individuals affected with DNMT1-related conditions. Advanced modeling of protein sequence and biophysical properties (such as structural, functional, and spatial information, amino acid conservation, physicochemical variation, residue mobility, and thermodynamic stability) performed at Invitae indicates that this missense variant is expected to disrupt DNMT1 protein function with a positive predictive value of 80%. In summary, the available evidence is currently insufficient to determine the role of this variant in disease. Therefore, it has been classified as a Variant of Uncertain Significance.